The following is an entry in ClinVar:

ClinVar aggregate classification (germline): Uncertain significance (1 of 4 stars; one submission).

Conditions:
Long QT syndrome (LQTS). Identifiers: MedGen C0023976, MeSH D008133, MONDO:0002442. Disease mechanism: loss of function. Inheritance: Various modes of inheritance.

Submissions (2):

Labcorp Genetics (formerly Invitae), Labcorp
Classification: Uncertain significance for Long QT syndrome. Last evaluated: 2022-12-27. Review status: criteria provided, single submitter. Criteria: Invitae Variant Classification Sherloc (09022015). Collection method: clinical testing. Allele origin: germline.
Comment: In summary, the available evidence is currently insufficient to determine the role of this variant in disease. Therefore, it has been classified as a Variant of Uncertain Significance. Advanced modeling of protein sequence and biophysical properties (such as structural, functional, and spatial information, amino acid conservation, physicochemical variation, residue mobility, and thermodynamic stability) performed at Invitae indicates that this missense variant is not expected to disrupt KCNE1 protein function. This variant has not been reported in the literature in individuals affected with KCNE1-related conditions. This variant is not present in population databases (gnomAD no frequency). This sequence change replaces proline, which is neutral and non-polar, with serine, which is neutral and polar, at codon 127 of the KCNE1 protein (p.Pro127Ser).

Roden Lab, Vanderbilt University Medical Center
No classification provided (evidence only). Condition: Long QT syndrome 5. Review status: no classification provided. Collection method: in vitro. Allele origin: not applicable. Functional consequence: Effect on ion channel function. Not counted in ClinVar's aggregate classification.
ClinVar note: "not provided" was previously submitted as the classification for the variant. However, the classification appeared to be based only on an observation of functional data so it was converted to no classification on 2025-07-30.

NM_000219.6(KCNE1):c.379C>T (p.Pro127Ser)

Gene: KCNE1 (potassium voltage-gated channel subfamily E regulatory subunit 1; minus strand). Cytogenetic location: 21q22.12.
Variant type: single nucleotide variant.
Coding change: c.379C>T on transcript NM_000219.6 (MANE Select); coding-DNA position 379, C replaced by T.
Protein change: p.Pro127Ser; replaces proline 127 with serine.
Molecular consequence: missense variant.
Genome position (GRCh38, 1-based): chr21:34,449,256, G>A on the plus strand (C>T on the coding strand, the complement: KCNE1 is on the minus strand). VCF-style: chr21-34449256-G-A. GRCh37 (hg19) VCF-style: chr21-35821554-G-A.
Other names: c.379C>T, p.Pro127Ser (NM_001127668.4, NM_001127669.4, NM_001127670.4 and 4 more transcripts); short protein forms P127S.
Identifiers: ClinVar variation 2824451 (VCV002824451.5), dbSNP rs199473647, ClinGen allele CA410197898.